The following is an entry in ClinVar:

NM_002878.4(RAD51D):c.955_959dup (p.Ala321fs)

Genes: RAD51D (RAD51 paralog D; minus strand), RAD51L3-RFFL (RAD51L3-RFFL readthrough; minus strand). Cytogenetic location: 17q12.
Variant type: Microsatellite.
Coding change: c.955_959dup on transcript NM_002878.4 (MANE Select); coding-DNA positions 955 to 959, 5 bases duplicated (CAGAG; older notation c.955_959dupCAGAG).
Protein change: p.Ala321fs; shifts the reading frame from alanine 321.
Molecular consequence: frameshift variant. On other transcripts: non-coding transcript variant (2).
Genome position (GRCh38, 1-based): chr17:35,100,981-35,100,985, CTCTG duplicated on the plus strand (CAGAG on the coding strand, the reverse complement: RAD51D is on the minus strand); duplicating any 5 consecutive bases within chr17:35,100,981-35,100,990 gives the same sequence; the c. name uses the placement nearest the transcript's 3' end. VCF-style (leftmost placement, unchanged base first): chr17-35100980-A-ACTCTG. GRCh37 (hg19) VCF-style: chr17-33427999-A-ACTCTG.
Other names: c.1015_1019dup, p.Ala341fs (NM_001142571.2); c.619_623dup, p.Ala209fs (NM_133629.3); c.955_959dup (NM_002878.3); short protein forms A209fs, A321fs, A341fs.
Identifiers: ClinVar variation 472632 (VCV000472632.17), dbSNP rs771998974, ClinGen allele CA8499303.

ClinVar aggregate classification (germline): Uncertain significance. Review status: criteria provided, multiple submitters, no conflicts (2 of 4 stars). 5 submissions from 5 submitters: Uncertain significance (5). Last evaluated 2025-07-25.

Conditions:
Hereditary cancer-predisposing syndrome. Also called: Neoplastic Syndromes, Hereditary; Tumor predisposition; Hereditary Cancer Syndrome; Hereditary neoplastic syndrome. Identifiers: Orphanet 140162, MedGen C0027672, MeSH D009386, MONDO:0015356.
Breast-ovarian cancer, familial, susceptibility to, 4. Identifiers: Orphanet 145, MedGen C3280345, MONDO:0013669, OMIM 614291.

Submissions (5):

Labcorp Genetics (formerly Invitae), Labcorp
Classification: Uncertain significance for Breast-ovarian cancer, familial, susceptibility to, 4. Last evaluated: 2025-07-25. Review status: criteria provided, single submitter. Criteria: Invitae Variant Classification Sherloc (09022015). Collection method: clinical testing. Allele origin: germline.
Comment: This sequence change is expected to alter the c-terminus of the RAD51D protein (p.Ala321Argfs*32). While this is not anticipated to result in nonsense mediated decay, it is expected to disrupt the last 8 amino acid(s) of the RAD51D protein and extend the protein by 23 additional amino acid residues. This variant is present in population databases (rs771998974, gnomAD 0.03%). This variant has not been reported in the literature in individuals affected with RAD51D-related conditions. ClinVar contains an entry for this variant (Variation ID: 472632). Experimental studies and prediction algorithms are not available or were not evaluated, and the functional significance of this variant is currently unknown. In summary, the available evidence is currently insufficient to determine the role of this variant in disease. Therefore, it has been classified as a Variant of Uncertain Significance.

Baylor Genetics
Classification: Uncertain significance for Breast-ovarian cancer, familial, susceptibility to, 4. Last evaluated: 2023-07-21. Review status: criteria provided, single submitter. Criteria: ACMG Guidelines, 2015. Collection method: clinical testing. Allele origin: unknown.

Color Diagnostics, LLC DBA Color Health
Classification: Uncertain significance for Hereditary cancer-predisposing syndrome. Last evaluated: 2023-07-10. Review status: criteria provided, single submitter. Criteria: ACMG Guidelines, 2015. Collection method: clinical testing. Allele origin: germline.
Comment: This variant inserts 5 nucleotides in exon 10 of the RAD51D gene, causing a frameshift in the last exon and addition of 31 new amino acids before introducing a stop codon. This results in a protein product that is 23 amino acids longer than the normal protein product. This variant is expected to disrupt the C-terminal end of the RAD51D protein, which encodes the ATPase domain (PMID: 14704354, 19327148, 21111057) and RAD51C interaction domain (PMID: 10749867, 14704354, 19327148). To our knowledge, functional studies have not been reported for this variant. This variant has not been reported in individuals affected with hereditary cancer in the literature. This variant has been identified in 8/251494 chromosomes in the general population by the Genome Aggregation Database (gnomAD). The available evidence is insufficient to determine the role of this variant in disease conclusively. Therefore, this variant is classified as a Variant of Uncertain Significance.

GeneDx
Classification: Uncertain significance. Last evaluated: 2018-03-12. Review status: criteria provided, single submitter. Criteria: GeneDx Variant Classification (06012015). Collection method: clinical testing. Allele origin: germline. Affected: yes.
Comment: This duplication of five nucleotides in RAD51D is denoted c.955_959dupCAGAG at the cDNA level and p.Ala321ArgfsX32 (A321RfsX32) at the protein level. The normal sequence, with the bases that are duplicated in brackets, is AGAG[dupCAGAG]TGCC. The duplication causes a frameshift, which changes an Alanine to an Arginine at codon 321 in the last exon of the gene, and results in an extension of the protein. The last 8 correct amino acids are replaced by 31 incorrect ones, disrupting a region that contains the RAD51C binding domain (Miller 2004). RAD51D c.955_959dupCAGAG has not, to our knowledge, been reported in the literature. This variant was observed at an allele frequency of 0.026% (8/30,782) in individuals of South Asian ancestry in large population cohorts (Lek 2016). Since the clinical significance of this protein extension is unclear, we consider RAD51D c.955_959dupCAGAG to be a variant of uncertain significance.

Ambry Genetics
Classification: Uncertain significance for Hereditary cancer-predisposing syndrome. Last evaluated: 2017-10-05. Review status: criteria provided, single submitter. Criteria: Ambry Variant Classification Scheme 2023. Collection method: clinical testing. Allele origin: germline.
Comment: The c.955_959dupCAGAG variant, located in coding exon 10 of the RAD51D gene, results from a duplication of CAGAG at nucleotide position 955, causing a translational frameshift with a predicted alternate stop codon (p.A321Rfs*32). Frameshifts are typically deleterious in nature, however, this frameshift occurs at the 3' terminus of RAD51D, is not expected to trigger nonsense-mediated mRNA decay, and results in the elongation of the protein by 23 amino acids. The exact functional impact of these inserted amino acids is unknown at this time. Since supporting evidence is limited at this time, the clinical significance of this alteration remains unclear.

Literature cited by the submitters: PubMed 10749867 (cited by Color Diagnostics, LLC DBA Color Health); PubMed 14704354 (cited by Color Diagnostics, LLC DBA Color Health); PubMed 19327148 (cited by Color Diagnostics, LLC DBA Color Health); PubMed 21111057 (cited by Color Diagnostics, LLC DBA Color Health).